The following is an entry in ClinVar:

ClinVar aggregate classification (germline): Uncertain significance (1 of 4 stars; one submission).

Allele frequency attached by ClinVar (database versions not stated): TOPMed below 0.00001; gnomAD 0.00001; gnomAD exomes 0.00001 and 0.00002; ExAC 0.00002; ESP Exome Variant Server 0.00008.
gnomAD v4.1: 17 of 1,613,182 alleles (0.0011%); highest among the groups gnomAD compares: Admixed American, 0.0033%; no homozygotes.

Submission:

Labcorp Genetics (formerly Invitae), Labcorp
Classification: Uncertain significance. Last evaluated: 2023-12-19. Review status: criteria provided, single submitter. Criteria: Invitae Variant Classification Sherloc (09022015). Collection method: clinical testing. Allele origin: germline.
Comment: This sequence change replaces arginine, which is basic and polar, with histidine, which is basic and polar, at codon 91 of the INPPL1 protein (p.Arg91His). This variant is present in population databases (rs142516692, gnomAD 0.01%). This variant has not been reported in the literature in individuals affected with INPPL1-related conditions. ClinVar contains an entry for this variant (Variation ID: 1488952). An algorithm developed to predict the effect of missense changes on protein structure and function (PolyPhen-2) suggests that this variant is likely to be disruptive. In summary, the available evidence is currently insufficient to determine the role of this variant in disease. Therefore, it has been classified as a Variant of Uncertain Significance.

NM_001567.4(INPPL1):c.272G>A (p.Arg91His)

Gene: INPPL1 (inositol polyphosphate phosphatase like 1; plus strand). Cytogenetic location: 11q13.4.
Variant type: single nucleotide variant.
Coding change: c.272G>A on transcript NM_001567.4 (MANE Select); coding-DNA position 272, G replaced by A.
Protein change: p.Arg91His; replaces arginine 91 with histidine.
Molecular consequence: missense variant.
Genome position (GRCh38, 1-based): chr11:72,228,373, G>A. VCF-style: chr11-72228373-G-A. GRCh37 (hg19) VCF-style: chr11-71939417-G-A.
Other names: short protein forms R91H.
Identifiers: ClinVar variation 1488952 (VCV001488952.9), dbSNP rs142516692, ClinGen allele CA6169608.